The following is an entry in ClinVar:

ClinVar aggregate classification (germline): Likely benign (1 of 4 stars; one submission).

Submission:

CeGaT Center for Human Genetics Tuebingen
Classification: Likely benign. Last evaluated: 2025-05-01. Review status: criteria provided, single submitter. Criteria: CeGaT Center For Human Genetics Tuebingen Variant Classification Criteria Version 2. Collection method: clinical testing. Allele origin: germline. Affected: yes. Observed: 1 variant allele.
Comment: TMEM154: BP4, BS2

NM_152680.3(TMEM154):c.537-12_537-5dup

Gene: TMEM154 (transmembrane protein 154; minus strand). Cytogenetic location: 4q31.3.
Variant type: Duplication.
Coding change: c.537-12_537-5dup on transcript NM_152680.3 (MANE Select); 12 bases into the intron before coding-DNA position 537 through 5 bases into the intron before coding-DNA position 537, 8 bases duplicated (TTTTTTTT; older notation c.537-12_537-5dupTTTTTTTT).
Molecular consequence: intron variant.
Genome position (GRCh38, 1-based): chr4:152,628,566-152,628,573, AAAAAAAA duplicated on the plus strand (TTTTTTTT on the coding strand, the reverse complement: TMEM154 is on the minus strand); duplicating any 8 consecutive bases within chr4:152,628,566-152,628,592 gives the same sequence; the c. name uses the placement nearest the transcript's 3' end. VCF-style (leftmost placement, unchanged base first): chr4-152628565-T-TAAAAAAAA. GRCh37 (hg19) VCF-style: chr4-153549717-T-TAAAAAAAA.
Identifiers: ClinVar variation 3905244 (VCV003905244.10).
Genomic context (GRCh38, chr4:152,628,565, plus strand): 5'-CAGGGGCTGCTTCTCTTGGAAAACATGAGCGCCATTCAGGTTTAGGATTCACTGTCACTG[T>TAAAAAAAA]AAAAAAAAAAAAAAAAAAAAAAAAAAACAAAAAAAACACACACACACACACAAAACAGTA-3'